The following is an entry in ClinVar:

ClinVar aggregate classification (germline): Uncertain significance (1 of 4 stars; one submission).

Conditions:
Inborn genetic diseases. Identifiers: MedGen C0950123, MeSH D030342.

Allele frequency attached by ClinVar (database versions not stated): ESP Exome Variant Server 0.00008.
gnomAD v4.1: 36 of 1,607,454 alleles (0.0022%); highest among the groups gnomAD compares: Admixed American, 0.017%; no homozygotes.

Submission:

Ambry Genetics
Classification: Uncertain significance for Inborn genetic diseases. Last evaluated: 2026-09-10. Review status: criteria provided, single submitter. Criteria: Ambry Variant Classification Scheme 2023. Collection method: clinical testing. Allele origin: germline.
Comment: The c.2398C>T (p.R800W) alteration is located in exon 11 (coding exon 11) of the TBC1D2B gene. This alteration results from a C to T substitution at nucleotide position 2398, causing the arginine (R) at amino acid position 800 to be replaced by a tryptophan (W). Based on data from gnomAD, the T allele has an overall frequency of 0.003% (1/31400) total alleles studied. The highest observed frequency was 0.118% (1/848) of Latino alleles. Based on insufficient or conflicting evidence, the clinical significance of this alteration remains unclear.

NM_144572.2(TBC1D2B):c.2398C>T (p.Arg800Trp)

Gene: TBC1D2B (TBC1 domain family member 2B; minus strand). Cytogenetic location: 15q25.1.
Variant type: single nucleotide variant.
Coding change: c.2398C>T on transcript NM_144572.2 (MANE Select); coding-DNA position 2398, C replaced by T.
Protein change: p.Arg800Trp; replaces arginine 800 with tryptophan.
Molecular consequence: missense variant.
Genome position (GRCh38, 1-based): chr15:78,003,481, G>A on the plus strand (C>T on the coding strand, the complement: TBC1D2B is on the minus strand). VCF-style: chr15-78003481-G-A. GRCh37 (hg19) VCF-style: chr15-78295823-G-A.
Other names: c.1948C>T, p.Arg650Trp (NM_001387149.1); c.2398C>T, p.Arg800Trp (NM_015079.6, NM_001387142.1, NM_001387144.1); c.2395C>T, p.Arg799Trp (NM_001387143.1); c.2062C>T, p.Arg688Trp (NM_001387145.1, NM_001387146.1, NM_001387147.1 and 1 more transcripts); short protein forms R799W, R688W, R650W, R800W.
Identifiers: ClinVar variation 3174595 (VCV003174595.2), dbSNP rs147044771, ClinGen allele CA273819721.
Genomic context (GRCh38, chr15:78,003,481, plus strand): 5'-ACTGTTCAAAGTGGCCATGCAACCGAGGCAGCTTCTCACTCATAAGGTCTCTGAACACCC[G>A]CTGGTCCACCTGGAGAGGGAACAAAGGGGAGAAGTGTATCAGGCCTGCCAGGTCACCGGG-3'
Protein context (NP_653173.1, residues 790-810): KTLLGSQVDQ[Arg800Trp]VFRDLMSEKL